The following is an entry in ClinVar:

NM_001101.5(ACTB):c.733G>C (p.Gly245Arg)

Gene: ACTB (actin beta; minus strand). Cytogenetic location: 7p22.1.
Variant type: single nucleotide variant.
Coding change: c.733G>C on transcript NM_001101.5 (MANE Select); coding-DNA position 733, G replaced by C.
Protein change: p.Gly245Arg; replaces glycine 245 with arginine.
Molecular consequence: missense variant.
Genome position (GRCh38, 1-based): chr7:5,528,350, C>G on the plus strand (G>C on the coding strand, the complement: ACTB is on the minus strand). VCF-style: chr7-5528350-C-G. GRCh37 (hg19) VCF-style: chr7-5567981-C-G.
Other names: short protein forms G245R.
Identifiers: ClinVar variation 4085964 (VCV004085964.8).

ClinVar aggregate classification (germline): Likely pathogenic (1 of 4 stars; one submission).

Submission:

CeGaT Center for Human Genetics Tuebingen
Classification: Likely pathogenic. Last evaluated: 2025-08-01. Review status: criteria provided, single submitter. Criteria: CeGaT Center For Human Genetics Tuebingen Variant Classification Criteria Version 2. Collection method: clinical testing. Allele origin: germline. Affected: yes. Observed: 1 variant allele.
Comment: ACTB: PM2, PM5, PP2, PP3